The following is an entry in ClinVar:

ClinVar aggregate classification (germline): Pathogenic/Likely pathogenic. Review status: criteria provided, multiple submitters, no conflicts (2 of 4 stars). 2 submissions from 2 submitters: Pathogenic (1); Likely pathogenic (1). Last evaluated 2024-06-30.

Conditions:
MME-related disorder. Also called: MME-related condition.

Allele frequency attached by ClinVar (database versions not stated): TOPMed below 0.00001; gnomAD exomes 0.00001; ESP Exome Variant Server 0.00008.
gnomAD v4.1: 12 of 1,612,738 alleles (0.00074%); highest among the groups gnomAD compares: East Asian, 0.0022%; no homozygotes.

Submissions (2):

Labcorp Genetics (formerly Invitae), Labcorp
Classification: Pathogenic. Last evaluated: 2024-06-30. Review status: criteria provided, single submitter. Criteria: Invitae Variant Classification Sherloc (09022015). Collection method: clinical testing. Allele origin: germline.
Comment: This sequence change creates a premature translational stop signal (p.Trp606*) in the MME gene. It is expected to result in an absent or disrupted protein product. Loss-of-function variants in MME are known to be pathogenic (PMID: 26991897). This variant is present in population databases (rs368888340, gnomAD 0.003%). This premature translational stop signal has been observed in individual(s) with autosomal recessive Charcot-Marie-Tooth disease (PMID: 26991897). ClinVar contains an entry for this variant (Variation ID: 1904791). For these reasons, this variant has been classified as Pathogenic.

Blueprint Genetics
Classification: Likely pathogenic for MME-related disorders. Last evaluated: 2021-07-16. Review status: criteria provided, single submitter. Criteria: ACMG Guidelines, 2015. Collection method: clinical testing. Allele origin: germline. Affected: yes. Observed: 2 variant alleles.

Literature cited by the submitters: PubMed 26991897 (cited by Labcorp Genetics (formerly Invitae), Labcorp).

NM_007289.4(MME):c.1818G>A (p.Trp606Ter)

Gene: MME (membrane metalloendopeptidase; plus strand). Cytogenetic location: 3q25.2.
Variant type: single nucleotide variant.
Coding change: c.1818G>A on transcript NM_007289.4 (MANE Select); coding-DNA position 1818, G replaced by A.
Protein change: p.Trp606Ter; replaces tryptophan 606 with a stop codon.
Molecular consequence: nonsense.
Genome position (GRCh38, 1-based): chr3:155,168,529, G>A. VCF-style: chr3-155168529-G-A. GRCh37 (hg19) VCF-style: chr3-154886318-G-A.
Other names: c.1818G>A, p.Trp606Ter (NM_000902.5, NM_001354642.2, NM_001354643.1 and 2 more transcripts); short protein forms W606*.
Identifiers: ClinVar variation 1904791 (VCV001904791.6), dbSNP rs368888340, ClinGen allele CA86315743.